The following is an entry in ClinVar:

NM_001005361.3(DNM2):c.890G>T (p.Arg297Leu)

Gene: DNM2 (dynamin 2; plus strand). Cytogenetic location: 19p13.2.
Variant type: single nucleotide variant.
Coding change: c.890G>T on transcript NM_001005361.3 (MANE Select); coding-DNA position 890, G replaced by T.
Protein change: p.Arg297Leu; replaces arginine 297 with leucine.
Molecular consequence: missense variant.
Genome position (GRCh38, 1-based): chr19:10,786,604, G>T. VCF-style: chr19-10786604-G-T. GRCh37 (hg19) VCF-style: chr19-10897280-G-T.
Other names: c.890G>T, p.Arg297Leu (NM_001005360.3, NM_001005362.3, NM_001190716.2 and 1 more transcripts); short protein forms R297L.
Identifiers: ClinVar variation 956798 (VCV000956798.10), dbSNP rs763894364, ClinGen allele CA9200927.

ClinVar aggregate classification (germline): Uncertain significance (1 of 4 stars; one submission).

Conditions:
Charcot-Marie-Tooth disease dominant intermediate B (CMTDIB). Also called: Charcot-Marie-Tooth disease dominant intermediate 1; CMT DI1; Charcot-Marie-Tooth disease dominant intermediate I; CHARCOT-MARIE-TOOTH NEUROPATHY, DOMINANT INTERMEDIATE B. Identifiers: Orphanet 100044, Orphanet 228179, MedGen C1847902, MONDO:0011674, OMIM 606482.

Allele frequency attached by ClinVar (database versions not stated): TOPMed 0.00001; 1000 Genomes Project 30x 0.00016.

Submission:

Labcorp Genetics (formerly Invitae), Labcorp
Classification: Uncertain significance for Charcot-Marie-Tooth disease dominant intermediate B. Last evaluated: 2023-05-26. Review status: criteria provided, single submitter. Criteria: Invitae Variant Classification Sherloc (09022015). Collection method: clinical testing. Allele origin: germline.
Comment: In summary, the available evidence is currently insufficient to determine the role of this variant in disease. Therefore, it has been classified as a Variant of Uncertain Significance. Advanced modeling of protein sequence and biophysical properties (such as structural, functional, and spatial information, amino acid conservation, physicochemical variation, residue mobility, and thermodynamic stability) has been performed at Invitae for this missense variant, however the output from this modeling did not meet the statistical confidence thresholds required to predict the impact of this variant on DNM2 protein function. This sequence change replaces arginine, which is basic and polar, with leucine, which is neutral and non-polar, at codon 297 of the DNM2 protein (p.Arg297Leu). This variant is present in population databases (rs763894364, gnomAD 0.004%). This missense change has been observed in individual(s) with clinical features of DNM2-related conditions (PMID: 27549087). This missense change has been observed in at least one individual who was not affected with DNM2-related conditions (Invitae). ClinVar contains an entry for this variant (Variation ID: 956798).

Literature cited by the submitters: PubMed 27549087.